The following is an entry in ClinVar:

ClinVar aggregate classification (germline): Uncertain significance (1 of 4 stars; one submission).

Conditions:
Saldino-Mainzer syndrome (SRTD9). Also called: short-rib thoracic dysplasia 9 with or without polydactyly; CONORENAL SYNDROME; Renal dysplasia, retinal pigmentary dystrophy, cerebellar ataxia and skeletal dysplasia; SHORT-RIB THORACIC DYSPLASIA 9 WITHOUT POLYDACTYLY. Identifiers: Orphanet 140969, MedGen C1849437, MONDO:0009964, OMIM 266920.

Submission:

Labcorp Genetics (formerly Invitae), Labcorp
Classification: Uncertain significance for Saldino-Mainzer syndrome. Last evaluated: 2022-04-18. Review status: criteria provided, single submitter. Criteria: Invitae Variant Classification Sherloc (09022015). Collection method: clinical testing. Allele origin: germline.
Comment: This sequence change replaces alanine, which is neutral and non-polar, with proline, which is neutral and non-polar, at codon 1288 of the IFT140 protein (p.Ala1288Pro). This variant is not present in population databases (gnomAD no frequency). This variant has not been reported in the literature in individuals affected with IFT140-related conditions. Algorithms developed to predict the effect of missense changes on protein structure and function are either unavailable or do not agree on the potential impact of this missense change (SIFT: "Tolerated"; PolyPhen-2: "Probably Damaging"; Align-GVGD: "Class C0"). In summary, the available evidence is currently insufficient to determine the role of this variant in disease. Therefore, it has been classified as a Variant of Uncertain Significance.

NM_014714.4(IFT140):c.3862G>C (p.Ala1288Pro)

Gene: IFT140 (intraflagellar transport 140; minus strand). Cytogenetic location: 16p13.3.
Variant type: single nucleotide variant.
Coding change: c.3862G>C on transcript NM_014714.4 (MANE Select); coding-DNA position 3862, G replaced by C.
Protein change: p.Ala1288Pro; replaces alanine 1288 with proline.
Molecular consequence: missense variant.
Genome position (GRCh38, 1-based): chr16:1,520,142, C>G on the plus strand (G>C on the coding strand, the complement: IFT140 is on the minus strand). VCF-style: chr16-1520142-C-G. GRCh37 (hg19) VCF-style: chr16-1570143-C-G.
Other names: short protein forms A1288P.
Identifiers: ClinVar variation 2127751 (VCV002127751.4), dbSNP rs759103673, ClinGen allele CA394224245.